The following is an entry in ClinVar:

ClinVar aggregate classification (germline): Uncertain significance. Review status: criteria provided, multiple submitters, no conflicts (2 of 4 stars). 2 submissions from 2 submitters: Uncertain significance (2). Last evaluated 2021-10-05.

Conditions:
Familial cold autoinflammatory syndrome 2 (FCAS2). Identifiers: Orphanet 247868, MedGen C2673198, MONDO:0012724, OMIM 611762.

Submissions (2):

Labcorp Genetics (formerly Invitae), Labcorp
Classification: Uncertain significance for Familial cold autoinflammatory syndrome 2. Last evaluated: 2021-10-05. Review status: criteria provided, single submitter. Criteria: Invitae Variant Classification Sherloc (09022015). Collection method: clinical testing. Allele origin: germline.
Comment: In summary, the available evidence is currently insufficient to determine the role of this variant in disease. Therefore, it has been classified as a Variant of Uncertain Significance. Experimental studies and prediction algorithms are not available or were not evaluated, and the functional significance of this variant is currently unknown. ClinVar contains an entry for this variant (Variation ID: 522838). This variant has not been reported in the literature in individuals affected with NLRP12-related conditions. This variant is not present in population databases (ExAC no frequency). This variant, c.1504_1506del, results in the deletion of 1 amino acid(s) of the NLRP12 protein (p.Lys502del), but otherwise preserves the integrity of the reading frame.

Undiagnosed Diseases Network, NIH
Classification: Uncertain significance for Familial cold autoinflammatory syndrome 2. Last evaluated: 2017-08-16. Review status: criteria provided, single submitter. Criteria: ACMG Guidelines, 2015. Collection method: clinical testing. Allele origin: maternal. Inheritance: Autosomal dominant inheritance. Affected: yes. Observed: 3 variant alleles, 3 heterozygotes. Clinical features observed: Weight loss, Skin rash, Cutis marmorata, Muscle weakness, Joint hypermobility, Exocrine pancreatic insufficiency, Gastritis, Migraine, Easy fatigability, Peripheral neuropathy, Episodic fever, Constipation, and 3 more. Study: Undiagnosed Diseases Network (NIH), UDN.

NM_144687.4(NLRP12):c.1504_1506del (p.Lys502del)

Gene: NLRP12 (NLR family pyrin domain containing 12; minus strand). Cytogenetic location: 19q13.42.
Variant type: Deletion.
Coding change: c.1504_1506del on transcript NM_144687.4 (MANE Select); coding-DNA positions 1504 to 1506, 3 bases deleted (AAG; older notation c.1504_1506delAAG).
Protein change: p.Lys502del; deletes lysine 502.
Molecular consequence: inframe deletion.
Genome position (GRCh38, 1-based): chr19:53,810,153-53,810,155, CTT deleted on the plus strand (AAG on the coding strand, the reverse complement: NLRP12 is on the minus strand); deleting any 3 consecutive bases within chr19:53,810,153-53,810,157 gives the same sequence; the c. name uses the placement nearest the transcript's 3' end. VCF-style (leftmost placement, unchanged base first): chr19-53810152-CCTT-C. GRCh37 (hg19) VCF-style: chr19-54313406-CCTT-C.
Other names: c.1504_1506del, p.Lys502del (NM_001277126.2, NM_001277129.1); c.1504_1506delAAG (NM_144687.3); short protein forms K502del.
Identifiers: ClinVar variation 522838 (VCV000522838.8), dbSNP rs1403147116, ClinGen allele CA658799304.